The following is an entry in ClinVar:

ClinVar aggregate classification (germline): Likely benign. Review status: criteria provided, multiple submitters, no conflicts (2 of 4 stars). 5 submissions from 5 submitters: Likely benign (3). 2 of the submissions do not count toward it. Last evaluated 2026-01-19.

Conditions:
GALC-related disorder. Also called: GALC-related condition.
Galactosylceramide beta-galactosidase deficiency. Also called: Leukodystrophy, Globoid Cell; GALACTOCEREBROSIDASE DEFICIENCY; GALC DEFICIENCY; GLOBOID CELL LEUKOENCEPHALOPATHY; Krabbe Disease. Identifiers: Orphanet 487, MedGen C0023521, MONDO:0009499, OMIM 245200.

Allele frequency attached by ClinVar (database versions not stated): TOPMed 0.00001.
gnomAD v4.1: 73 of 1,606,408 alleles (0.0045%); highest among the groups gnomAD compares: Non-Finnish European, 0.0057%; no homozygotes.

Submissions (5):

Labcorp Genetics (formerly Invitae), Labcorp
Classification: Likely benign for Galactosylceramide beta-galactosidase deficiency. Last evaluated: 2026-01-19. Review status: criteria provided, single submitter. Criteria: Invitae Variant Classification Sherloc (09022015). Collection method: clinical testing. Allele origin: germline.

Blueprint Genetics
Classification: Likely benign. Last evaluated: 2024-11-11. Review status: criteria provided, single submitter. Criteria: ACMG Guidelines, 2015. Collection method: clinical testing. Allele origin: germline.

CeGaT Center for Human Genetics Tuebingen
Classification: Likely benign. Last evaluated: 2024-02-01. Review status: criteria provided, single submitter. Criteria: CeGaT Center For Human Genetics Tuebingen Variant Classification Criteria Version 2. Collection method: clinical testing. Allele origin: germline. Affected: yes. Observed: 3 variant alleles.
Comment: GALC: BP4, BP7

Natera, Inc.
Classification: Uncertain significance for Galactosylceramide beta-galactosidase deficiency. Last evaluated: 2020-04-18. Review status: no assertion criteria provided. Collection method: clinical testing. Allele origin: germline. Not counted in ClinVar's aggregate classification.

PreventionGenetics, part of Exact Sciences
Classification: Likely benign for GALC-related condition. Last evaluated: 2019-06-11. Review status: no assertion criteria provided. Collection method: clinical testing. Allele origin: germline. Not counted in ClinVar's aggregate classification.
Comment: This variant is classified as likely benign based on ACMG/AMP sequence variant interpretation guidelines (Richards et al. 2015 PMID: 25741868, with internal and published modifications).

NM_000153.4(GALC):c.1758T>C (p.Gly586=)

Gene: GALC (galactosylceramidase; minus strand). Cytogenetic location: 14q31.3.
Variant type: single nucleotide variant.
Coding change: c.1758T>C on transcript NM_000153.4 (MANE Select); coding-DNA position 1758, T replaced by C.
Protein change: p.Gly586=; no amino-acid change (glycine 586 retained).
Molecular consequence: synonymous variant.
Genome position (GRCh38, 1-based): chr14:87,941,471, A>G on the plus strand (T>C on the coding strand, the complement: GALC is on the minus strand). VCF-style: chr14-87941471-A-G. GRCh37 (hg19) VCF-style: chr14-88407815-A-G.
Other names: c.1689T>C, p.Gly563= (NM_001201401.2); c.1680T>C, p.Gly560= (NM_001201402.2); c.1758T>C (NM_000153.3).
Identifiers: ClinVar variation 990182 (VCV000990182.46), dbSNP rs746189262, ClinGen allele CA7296927.
Genomic context (GRCh38, chr14:87,941,471, plus strand): 5'-CCTGTAAGATCCATTTGCAAAAATCCAGAAGAAAATTCCTCTGGCACTTCTAATCAAAAT[A>G]CCACCTTTATTTACTCTTCCTGCAATGAACACACCTCCTGTGTCAGGGGTCTCTATGTAT-3'
Protein context (NP_000144.2, residues 576-596): VFIAGRVNKG[Gly586=]ILIRSARGIF